The following is an entry in ClinVar:

NM_000548.5(TSC2):c.2456T>G (p.Ile819Ser)

Gene: TSC2 (TSC complex subunit 2; plus strand). Cytogenetic location: 16p13.3.
Variant type: single nucleotide variant.
Coding change: c.2456T>G on transcript NM_000548.5 (MANE Select); coding-DNA position 2456, T replaced by G.
Protein change: p.Ile819Ser; replaces isoleucine 819 with serine.
Molecular consequence: missense variant. On other transcripts: non-coding transcript variant (5).
Genome position (GRCh38, 1-based): chr16:2,074,300, T>G. VCF-style: chr16-2074300-T-G. GRCh37 (hg19) VCF-style: chr16-2124301-T-G.
Other names: c.2456T>G, p.Ile819Ser (NM_001077183.3, NM_001114382.3, NM_001363528.2 and 6 more transcripts); c.2345T>G, p.Ile782Ser (NM_001318827.2, NM_001406670.1, NM_001406678.1); c.2309T>G, p.Ile770Ser (NM_001318829.2, NM_001406675.1, NM_001406676.1 and 1 more transcripts); c.1856T>G, p.Ile619Ser (NM_001318831.2, NM_001406680.1, NM_001406682.1 and 6 more transcripts); c.2489T>G, p.Ile830Ser (NM_001318832.2); c.2546T>G, p.Ile849Ser (NM_001406667.1, NM_001406668.1); c.2444T>G, p.Ile815Ser (NM_001406671.1, NM_001406673.1); c.2399T>G, p.Ile800Ser (NM_001406677.1); and 3 more; short protein forms I285S, I665S, I770S, I815S, I849S, I782S, I800S, I371S.
Identifiers: ClinVar variation 3974659 (VCV003974659.1).

ClinVar aggregate classification (germline): Uncertain significance (1 of 4 stars; one submission).

Conditions:
Hereditary cancer-predisposing syndrome. Also called: Tumor predisposition; Hereditary neoplastic syndrome; Hereditary Cancer Syndrome; Neoplastic Syndromes, Hereditary. Identifiers: Orphanet 140162, MedGen C0027672, MeSH D009386, MONDO:0015356.

Submission:

Ambry Genetics
Classification: Uncertain significance for Hereditary cancer-predisposing syndrome. Last evaluated: 2025-04-18. Review status: criteria provided, single submitter. Criteria: Ambry Variant Classification Scheme 2023. Collection method: clinical testing. Allele origin: germline.
Comment: The p.I819S variant (also known as c.2456T>G), located in coding exon 21 of the TSC2 gene, results from a T to G substitution at nucleotide position 2456. The isoleucine at codon 819 is replaced by serine, an amino acid with dissimilar properties. This amino acid position is conserved. In addition, this alteration is predicted to be deleterious by in silico analysis. Based on the available evidence, the clinical significance of this variant remains unclear.